The following is an entry in ClinVar:

NM_000062.3(SERPING1):c.124G>T (p.Glu42Ter)

Gene: SERPING1 (serpin family G member 1; plus strand). Cytogenetic location: 11q12.1.
Variant type: single nucleotide variant.
Coding change: c.124G>T on transcript NM_000062.3 (MANE Select); coding-DNA position 124, G replaced by T.
Protein change: p.Glu42Ter; replaces glutamic acid 42 with a stop codon.
Molecular consequence: nonsense.
Genome position (GRCh38, 1-based): chr11:57,599,951, G>T. VCF-style: chr11-57599951-G-T. GRCh37 (hg19) VCF-style: chr11-57367424-G-T.
Other names: c.124G>T, p.Glu42Ter (NM_001032295.2); short protein forms E42*.
Identifiers: ClinVar variation 694737 (VCV000694737.6), dbSNP rs778625408, ClinGen allele CA380694448.
Genomic context (GRCh38, chr11:57,599,951, plus strand): 5'-TCAAATCCAAATGCTACCAGCTCCAGCTCCCAGGATCCAGAGAGTTTGCAAGACAGAGGC[G>T]AAGGGAAGGTCGCAACAACAGTTATCTCCAAGATGCTATTCGTTGAACCCATCCTGGAGG-3'

ClinVar aggregate classification (germline): Pathogenic (1 of 4 stars; one submission).

Conditions:
Hereditary angioedema type 1 (HAE1). Identifiers: Orphanet 100050, Orphanet 100051, Orphanet 91378, MedGen C2717906, MONDO:0015053, OMIM 106100.

Submission:

Diagnostics Services (NGS), CSIR - Centre For Cellular And Molecular Biology
Classification: Pathogenic for Hereditary angioedema type 1. Last evaluated: 2019-08-23. Review status: criteria provided, single submitter. Criteria: ACMG Guidelines, 2015. Collection method: clinical testing. Allele origin: germline. Inheritance: Autosomal dominant inheritance. Affected: yes. Observed: 1 heterozygote.
Comment: The c.124G>T variant is not present in publicly available databases like 1000 Genomes, Exome Variant Server (EVS), Exome Aggregation Consortium (ExAC), Genome Aggregation Database (gnomAD) and dbSNP. The variant is also not present in our in-house exome database. This variant was reported earlier in other affected individuals with similar phenotype in Human Genome Mutation Database (CM083116) [Pappalardo et al. Mol Immunol. 2008]. In-silico pathogenicity prediction programs like Mutation Taster2, CADD, InterVar etc. predicted this variant as likely disease causing. As per ACMG guidelines the variant has been classified as pathogenic.